The following is an entry in ClinVar:

ClinVar aggregate classification (germline): Pathogenic/Likely pathogenic. Review status: criteria provided, multiple submitters, no conflicts (2 of 4 stars). 4 submissions from 4 submitters: Pathogenic (2); Likely pathogenic (1). 1 of the submissions does not count toward it. Last evaluated 2023-12-04.

Conditions:
Finnish type amyloidosis. Also called: Lattice corneal dystrophy associated with familial systemic amyloidosis; Meretoja's syndrome; Lattice dystrophy of the cornea with hereditary generalized amyloidosis; Amyloidosis, familial, Finnish type; Meretoja type amyloidosis; Amyloidosis 5. Identifiers: Orphanet 85448, MedGen C1622345, MONDO:0007097, OMIM 105120.

gnomAD v4.1: 1 of 1,614,106 alleles (0.000062%); highest among the groups gnomAD compares: Non-Finnish European, 0.000085%; no homozygotes.

Submissions (4):

Labcorp Genetics (formerly Invitae), Labcorp
Classification: Pathogenic. Last evaluated: 2023-12-04. Review status: criteria provided, single submitter. Criteria: Invitae Variant Classification Sherloc (09022015). Collection method: clinical testing. Allele origin: germline.
Comment: This sequence change replaces aspartic acid, which is acidic and polar, with tyrosine, which is neutral and polar, at codon 214 of the GSN protein (p.Asp214Tyr). This variant is not present in population databases (gnomAD no frequency). This missense change has been observed in individuals with autosomal dominant amyloidosis, Finnish type (PMID: 1338910, 26915616). This variant is also known as G654T p.Asp187Tyr. ClinVar contains an entry for this variant (Variation ID: 16181). Advanced modeling of protein sequence and biophysical properties (such as structural, functional, and spatial information, amino acid conservation, physicochemical variation, residue mobility, and thermodynamic stability) performed at Invitae indicates that this missense variant is expected to disrupt GSN protein function with a positive predictive value of 80%. This variant disrupts the p.Asp214 amino acid residue in GSN. Other variant(s) that disrupt this residue have been determined to be pathogenic (PMID: 1652889, 2176164, 22622774, 25342098). This suggests that this residue is clinically significant, and that variants that disrupt this residue are likely to be disease-causing. For these reasons, this variant has been classified as Pathogenic.

3billion
Classification: Likely pathogenic for Finnish type amyloidosis. Last evaluated: 2022-01-03. Review status: criteria provided, single submitter. Criteria: ACMG Guidelines, 2015. Collection method: clinical testing. Allele origin: germline. Affected: yes. Observed: 1 heterozygote.
Comment: Same nucleotide change resulting in same amino acid change has been previously reported to be associated with GSN related disorder (ClinVar ID: VCV000016181, PMID:1338910, PS1_P). A different missense change at the same codon has been reported as pathogenic/likely pathogenic with strong evidence (ClinVar ID: VCV000016180, PMID:2176164, PM5_M). In silico tool predictions suggest damaging effect of the variant on gene or gene product (REVEL: 0.619, 3CNET: 0.886, PP3_P). It is not observed in the gnomAD v2.1.1 dataset (PM2_M). Therefore, this variant is classified as likely pathogenic according to the recommendation of ACMG/AMP guideline.

Institute of Human Genetics Munich, TUM University Hospital
Classification: Pathogenic for Finnish type amyloidosis. Last evaluated: 2017-11-10. Review status: criteria provided, single submitter. Criteria: Classification criteria August 2017. Collection method: clinical testing. Allele origin: germline. Inheritance: Autosomal dominant inheritance. Affected: yes. Observed: 1 heterozygote.

OMIM
Classification: Pathogenic for AMYLOIDOSIS, FINNISH TYPE. Last evaluated: 2024-05-17. Review status: no assertion criteria provided. Collection method: literature only. Allele origin: germline. Not counted in ClinVar's aggregate classification.

Literature cited by the submitters: PubMed 1338910 (cited by 3 submitters); PubMed 26915616 (cited by Labcorp Genetics (formerly Invitae), Labcorp); PubMed 1652889 (cited by Labcorp Genetics (formerly Invitae), Labcorp); PubMed 2176164 (cited by Labcorp Genetics (formerly Invitae), Labcorp and 3billion); PubMed 22622774 (cited by Labcorp Genetics (formerly Invitae), Labcorp); PubMed 25342098 (cited by Labcorp Genetics (formerly Invitae), Labcorp); PubMed 33973672 (cited by OMIM).

NM_198252.3(GSN):c.487G>T (p.Asp163Tyr)

Gene: GSN (gelsolin; plus strand). Cytogenetic location: 9q33.2.
Variant type: single nucleotide variant.
Coding change: c.487G>T on transcript NM_198252.3 (MANE Select); coding-DNA position 487, G replaced by T.
Protein change: p.Asp163Tyr; replaces aspartic acid 163 with tyrosine.
Molecular consequence: missense variant. On other transcripts: 5 prime UTR variant (1).
Genome position (GRCh38, 1-based): chr9:121,310,819, G>T. VCF-style: chr9-121310819-G-T. GRCh37 (hg19) VCF-style: chr9-124073097-G-T.
Other names: c.640G>T, p.Asp214Tyr (NM_000177.5); c.487G>T, p.Asp163Tyr (NM_001127662.2, NM_001127664.2, NM_001127665.2 and 10 more transcripts); c.595G>T, p.Asp199Tyr (NM_001127663.2); c.520G>T, p.Asp174Tyr (NM_001127666.2, NM_001127667.2, NM_001353063.2 and 13 more transcripts); c.538G>T, p.Asp180Tyr (NM_001258029.2); c.511G>T, p.Asp171Tyr (NM_001258030.2); c.559G>T, p.Asp187Tyr (NM_001353076.2); c.-168G>T (NM_001353078.2); short protein forms D187Y, D174Y, D214Y, D163Y, D171Y, D180Y, D199Y.
Identifiers: ClinVar variation 16181 (VCV000016181.11), dbSNP rs121909715, ClinGen allele CA250654.
Genomic context (GRCh38, chr9:121,310,819, plus strand): 5'-GGGCGGCGTGTGGTCCGTGCCACCGAGGTACCTGTGTCCTGGGAGAGCTTCAACAATGGC[G>T]ACTGCTTCATCCTGGACCTGGGCAACGTGAGTCCTGCTTTCCTCTTTCCCAGGAGCCACT-3'
Protein context (NP_937895.1, residues 153-173): PVSWESFNNG[Asp163Tyr]CFILDLGNNI